The following is an entry in ClinVar:

ClinVar aggregate classification (germline): Pathogenic (1 of 4 stars; one submission).

Submission:

CeGaT Center for Human Genetics Tuebingen
Classification: Pathogenic. Last evaluated: 2026-01-01. Review status: criteria provided, single submitter. Criteria: CeGaT Center For Human Genetics Tuebingen Variant Classification Criteria Version 2. Collection method: clinical testing. Allele origin: germline. Affected: yes. Observed: 1 variant allele.
Comment: SPAST: PVS1, PP1:Strong, PM2, PS4:Supporting

NM_014946.4(SPAST):c.1137dup (p.Leu380fs)

Gene: SPAST (spastin; plus strand). Cytogenetic location: 2p22.3.
Variant type: Duplication.
Coding change: c.1137dup on transcript NM_014946.4 (MANE Select); coding-DNA position 1137, one base duplicated (A; older notation c.1137dupA).
Protein change: p.Leu380fs; shifts the reading frame from leucine 380.
Molecular consequence: frameshift variant.
Genome position (GRCh38, 1-based): chr2:32,126,986, A duplicated. VCF-style (leftmost placement, unchanged base first): chr2-32126985-T-TA. GRCh37 (hg19) VCF-style: chr2-32352054-T-TA.
Other names: c.1134dup, p.Leu379fs (NM_001363823.2); c.1038dup, p.Leu347fs (NM_001363875.2); c.1041dup, p.Leu348fs (NM_001377959.1, NM_199436.2); short protein forms L347fs, L348fs, L379fs, L380fs.
Identifiers: ClinVar variation 4823172 (VCV004823172.4).